The following is an entry in ClinVar:

ClinVar aggregate classification (germline): Uncertain significance (1 of 4 stars; one submission).

Conditions:
Hermansky-Pudlak syndrome 2 (HPS2). Also called: Platelet defects and oculocutaneous albinism. Identifiers: Orphanet 183678, Orphanet 79430, MedGen C1842362, MONDO:0011997, OMIM 608233.

Allele frequency attached by ClinVar (database versions not stated): gnomAD exomes below 0.00001; ExAC 0.00001.
gnomAD v4.1: 3 of 1,611,342 alleles (0.00019%); highest among the groups gnomAD compares: Non-Finnish European, 0.00025%; no homozygotes.

Submission:

Labcorp Genetics (formerly Invitae), Labcorp
Classification: Uncertain significance for Hermansky-Pudlak syndrome 2. Last evaluated: 2018-12-20. Review status: criteria provided, single submitter. Criteria: Invitae Variant Classification Sherloc (09022015). Collection method: clinical testing. Allele origin: germline.
Comment: In summary, the available evidence is currently insufficient to determine the role of this variant in disease. Therefore, it has been classified as a Variant of Uncertain Significance. Algorithms developed to predict the effect of missense changes on protein structure and function are either unavailable or do not agree on the potential impact of this missense change (SIFT: "Tolerated"; PolyPhen-2: "Probably Damaging"; Align-GVGD: "Class C0"). This variant has not been reported in the literature in individuals with AP3B1-related conditions. This variant is present in population databases (rs755372821, ExAC 0.002%). This sequence change replaces serine with phenylalanine at codon 623 of the AP3B1 protein (p.Ser623Phe). The serine residue is highly conserved and there is a large physicochemical difference between serine and phenylalanine.

NM_003664.5(AP3B1):c.1868C>T (p.Ser623Phe)

Gene: AP3B1 (adaptor related protein complex 3 subunit beta 1; minus strand). Cytogenetic location: 5q14.1.
Variant type: single nucleotide variant.
Coding change: c.1868C>T on transcript NM_003664.5 (MANE Select); coding-DNA position 1868, C replaced by T.
Protein change: p.Ser623Phe; replaces serine 623 with phenylalanine.
Molecular consequence: missense variant.
Genome position (GRCh38, 1-based): chr5:78,128,130, G>A on the plus strand (C>T on the coding strand, the complement: AP3B1 is on the minus strand). VCF-style: chr5-78128130-G-A. GRCh37 (hg19) VCF-style: chr5-77423954-G-A.
Other names: c.1721C>T, p.Ser574Phe (NM_001271769.2); short protein forms S574F, S623F.
Identifiers: ClinVar variation 640696 (VCV000640696.8), dbSNP rs755372821, ClinGen allele CA3316933.